The following is an entry in ClinVar:

NM_001111.5(ADAR):c.2565_2568del (p.Asn857fs)

Genes: ADAR (adenosine deaminase RNA specific; minus strand), LOC126805874 (CDK7 strongly-dependent group 2 enhancer GRCh37_chr1:154561176-154562375; plus strand). Cytogenetic location: 1q21.3.
Variant type: Deletion.
Coding change: c.2565_2568del on transcript NM_001111.5 (MANE Select); coding-DNA positions 2565 to 2568, 4 bases deleted (GACT; older notation c.2565_2568delGACT).
Protein change: p.Asn857fs; shifts the reading frame from asparagine 857.
Molecular consequence: frameshift variant.
Genome position (GRCh38, 1-based): chr1:154,589,857-154,589,860, AGTC deleted on the plus strand (GACT on the coding strand, the reverse complement: ADAR is on the minus strand); deleting any 4 consecutive bases within chr1:154,589,857-154,589,862 gives the same sequence; the c. name uses the placement nearest the transcript's 3' end. VCF-style (leftmost placement, unchanged base first): chr1-154589856-TAGTC-T. GRCh37 (hg19) VCF-style: chr1-154562332-TAGTC-T.
Other names: c.2565_2568del (NM_001111.4); c.1680_1683del, p.Asn562fs (NM_001025107.3, NM_001193495.2, NM_001365046.1 and 2 more transcripts); c.2592_2595del, p.Asn866fs (NM_001365045.1); c.1602_1605del, p.Asn536fs (NM_001365049.1); c.2487_2490del, p.Asn831fs (NM_015840.4); c.2430_2433del, p.Asn812fs (NM_015841.4); short protein forms N831fs, N857fs, N536fs, N866fs, N812fs, N562fs.
Identifiers: ClinVar variation 817052 (VCV000817052.7), dbSNP rs1180888940, ClinGen allele CA526666269.

ClinVar aggregate classification (germline): Pathogenic. Review status: criteria provided, multiple submitters, no conflicts (2 of 4 stars). 6 submissions from 6 submitters: Pathogenic (6). Last evaluated 2025-05-12.

Conditions:
ADAR-related disorder. Also called: ADAR-related condition; ADAR-related disorders.
Aicardi-Goutieres syndrome 6 (AGS6). Identifiers: Orphanet 51, MedGen C3539013, MONDO:0014007, OMIM 615010.
Cerebral calcification. Also called: Cerebral calcifications. Identifiers: MedGen C0270685, HP:0002514.

Submissions (6):

Clinical Genetics Laboratory, Skane University Hospital Lund
Classification: Pathogenic for Cerebral calcification. Last evaluated: 2025-05-12. Review status: criteria provided, single submitter. Criteria: ACMG Guidelines, 2015. Collection method: clinical testing. Allele origin: germline. Affected: yes.
Comment: PVS1, PS4, PM2

Genetic Services Laboratory, University of Chicago
Classification: Pathogenic. Last evaluated: 2024-11-12. Review status: criteria provided, single submitter. Criteria: ACMG Guidelines, 2015. Collection method: clinical testing. Allele origin: germline. Affected: yes.
Comment: DNA sequence analysis of the ADAR gene demonstrated a four base pair deletion in exon 8, c.2565_2568del. This sequence change results in an amino acid frameshift and creates a premature stop codon 16 amino acids downstream of the change, p.Asn857Alafs*17. This sequence change is predicted to result in an abnormal transcript, which may be degraded, or may lead to the production of a truncated ADAR protein with potentially abnormal function. This sequence change has been described in the gnomAD database with a frequency of 0.00016% in the European subpopulation (dbSNP rs1180888940). This sequence change has been described in the heterozygous state individuals with clinical features of Aicardi-Goutieres syndrome 6 (PMID: 24262145, 27943079) along with another sequence change in the same gene. This sequence change has also been previously described in a family with dyschromatosis symmetrica hereditaria (PMID: 16882194). These collective evidences indicate that this sequence change is likely pathogenic, however functional studies have not been performed to prove this conclusively.

Genome-Nilou Lab
Classification: Pathogenic for Aicardi-Goutieres syndrome 6. Last evaluated: 2023-04-11. Review status: criteria provided, single submitter. Criteria: ACMG Guidelines, 2015. Collection method: clinical testing. Allele origin: germline. Affected: no.

Blueprint Genetics
Classification: Pathogenic for ADAR-related disorders. Last evaluated: 2022-10-27. Review status: criteria provided, single submitter. Criteria: ACMG Guidelines, 2015. Collection method: clinical testing. Allele origin: germline. Affected: yes. Observed: 2 variant alleles.

GeneDx
Classification: Pathogenic. Last evaluated: 2019-02-27. Review status: criteria provided, single submitter. Criteria: GeneDx Variant Classification (06012015). Collection method: clinical testing. Allele origin: germline. Affected: yes.
Comment: The c.2565_2568delGACT variant in the ADAR gene has been reported previously in an individual with Aicardi-Goutieres syndrome and an individual with bilateral striatal necrosis who were both heterozygous for the c.2565_2568delGACT variant and another ADAR variant (Rice et al., 2013; Livingston et al., 2014). In addition the c.2565_2568delGACT variant has been reported as a de novo variant in an individual with dyschromatosis symmetrica hereditaria (Li et al., 2014). The c.2565_2568delGACT variant causes a frameshift starting with codon Asparagine 857, changes this amino acid to an Alanine residue, and creates a premature Stop codon at position 17 of the new reading frame, denoted p.Asn857AlafsX17. This variant is predicted to cause loss of normal protein function either through protein truncation or nonsense-mediated mRNA decay. The c.2565_2568delGACT variant is not observed at a significant frequency in large population cohorts (Lek et al., 2016). We interpret c.2565_2568delGACT as a pathogenic variant.

Suma Genomics
Classification: Pathogenic for Aicardi-Goutieres syndrome 6. Review status: criteria provided, single submitter. Criteria: ACMG Guidelines, 2015. Collection method: clinical testing. Allele origin: inherited. Inheritance: Autosomal recessive inheritance. Affected: yes.